The following is an entry in ClinVar:

NM_000444.6(PHEX):c.1560del (p.Trp520fs)

Gene: PHEX (phosphate regulating endopeptidase X-linked; plus strand). Cytogenetic location: Xp22.11.
Variant type: Deletion.
Coding change: c.1560del on transcript NM_000444.6 (MANE Select); coding-DNA position 1560, one base deleted (G; older notation c.1560delG).
Protein change: p.Trp520fs; shifts the reading frame from tryptophan 520.
Molecular consequence: frameshift variant.
Genome position (GRCh38, 1-based): chrX:22,178,350, G deleted; the last of 2 consecutive G bases (chrX:22,178,349-22,178,350); deleting either gives the same sequence. VCF-style (leftmost placement, unchanged base first): chrX-22178348-TG-T. GRCh37 (hg19) VCF-style: chrX-22196465-TG-T.
Other names: c.1560del, p.Trp520fs (NM_001282754.2); short protein forms W520fs.
Identifiers: ClinVar variation 438545 (VCV000438545.5), dbSNP rs1556071086, ClinGen allele CA645509384.
Genomic context (GRCh38, chrX:22,178,348, plus strand): 5'-GCCGACTACTTTGGCAACGTCCTACAAACTCGCAAGTATTTAGCACAGTCTGATTTCTTC[TG>T]GCTAAGAAAAGCCGTTCCAAAAACAGAGTGAGTATTAAACAAAAAAAGTTAAATAGATAA-3'

ClinVar aggregate classification (germline): Pathogenic. Review status: criteria provided, multiple submitters, no conflicts (2 of 4 stars). 2 submissions from 2 submitters: Pathogenic (2). Last evaluated 2024-11-22.

Conditions:
Familial X-linked hypophosphatemic vitamin D refractory rickets (XLHRD). Also called: X-Linked Hypophosphatemia; Hypophosphatemic Rickets, X-Linked Dominant; HYPOPHOSPHATEMIC VITAMIN D-RESISTANT RICKETS; Hypophosphatemia, vitamin D-resistant rickets; Vitamin D-resistant rickets, X-linked. Identifiers: Orphanet 89936, MedGen C0733682, MONDO:0010619, OMIM 307800.

Submissions (2):

Labcorp Genetics (formerly Invitae), Labcorp
Classification: Pathogenic. Last evaluated: 2024-11-22. Review status: criteria provided, single submitter. Criteria: Invitae Variant Classification Sherloc (09022015). Collection method: clinical testing. Allele origin: germline.
Comment: This sequence change creates a premature translational stop signal (p.Trp520Cysfs*2) in the PHEX gene. It is expected to result in an absent or disrupted protein product. Loss-of-function variants in PHEX are known to be pathogenic (PMID: 9097956, 9106524, 19219621). This variant is not present in population databases (gnomAD no frequency). This premature translational stop signal has been observed in individual(s) with hypophosphatemic rickets (PMID: 9199930). This variant is also known as 1559delG. ClinVar contains an entry for this variant (Variation ID: 438545). For these reasons, this variant has been classified as Pathogenic.

Institute of Human Genetics Munich, TUM University Hospital
Classification: Pathogenic for Familial X-linked hypophosphatemic vitamin D refractory rickets. Last evaluated: 2017-08-31. Review status: criteria provided, single submitter. Criteria: Classification criteria August 2017. Collection method: clinical testing. Allele origin: germline. Inheritance: X-linked inheritance. Affected: yes. Observed: 1 heterozygote.

Literature cited by the submitters: PubMed 9097956 (cited by Labcorp Genetics (formerly Invitae), Labcorp); PubMed 9106524 (cited by Labcorp Genetics (formerly Invitae), Labcorp); PubMed 19219621 (cited by Labcorp Genetics (formerly Invitae), Labcorp); PubMed 9199930 (cited by Labcorp Genetics (formerly Invitae), Labcorp and Institute of Human Genetics Munich, TUM University Hospital).